The following is an entry in ClinVar:

ClinVar aggregate classification (germline): Likely benign (1 of 4 stars; one submission).

gnomAD v4.1: 4 of 1,612,960 alleles (0.00025%); highest among the groups gnomAD compares: South Asian, 0.0011%; no homozygotes.

Submission:

Mayo Clinic Laboratories, Mayo Clinic
Classification: Likely benign. Last evaluated: 2025-02-11. Review status: criteria provided, single submitter. Criteria: ACMG Guidelines, 2015. Collection method: clinical testing. Allele origin: germline. Observed: 1 variant allele.
Comment: BP4, BP7

NM_001261826.3(AP3D1):c.3243G>A (p.Gly1081=)

Gene: AP3D1 (adaptor related protein complex 3 subunit delta 1; minus strand). Cytogenetic location: 19p13.3.
Variant type: single nucleotide variant.
Coding change: c.3243G>A on transcript NM_001261826.3 (MANE Select); coding-DNA position 3243, G replaced by A.
Protein change: p.Gly1081=; no amino-acid change (glycine 1081 retained).
Molecular consequence: synonymous variant.
Genome position (GRCh38, 1-based): chr19:2,110,157, C>T on the plus strand (G>A on the coding strand, the complement: AP3D1 is on the minus strand). VCF-style: chr19-2110157-C-T. GRCh37 (hg19) VCF-style: chr19-2110156-C-T.
Other names: p.Gly1081=; c.3207G>A, p.Gly1069= (NM_001374799.1); c.3057G>A, p.Gly1019= (NM_003938.8).
Identifiers: ClinVar variation 4684296 (VCV004684296.1).
Genomic context (GRCh38, chr19:2,110,157, plus strand): 5'-CAGAGTCGGCTCTTCAACGCCAAGTGGAGCCCTGCATACCTTGGCAATGAAGGACAGGGT[C>T]CCCTTGAGCTTCTGCGCCATGACGATGCTCTGGATGGTGAACACATACTGGGCTTCGTTG-3'
Protein context (NP_001248755.1, residues 1071-1091): QSIVMAQKLK[Gly1081=]TLSFIAKNDE